The following is an entry in ClinVar:

NM_002458.3(MUC5B):c.5538G>A (p.Val1846=)

Genes: MUC5B (mucin 5B, oligomeric mucus/gel-forming; plus strand), MUC5B-AS1 (MUC5B antisense RNA 1; minus strand). Cytogenetic location: 11p15.5.
Variant type: single nucleotide variant.
Coding change: c.5538G>A on transcript NM_002458.3 (MANE Select); coding-DNA position 5538, G replaced by A.
Protein change: p.Val1846=; no amino-acid change (valine 1846 retained).
Molecular consequence: synonymous variant. On other transcripts: non-coding transcript variant (1).
Genome position (GRCh38, 1-based): chr11:1,242,418, G>A. VCF-style: chr11-1242418-G-A. GRCh37 (hg19) VCF-style: chr11-1263648-G-A.
Identifiers: ClinVar variation 2641205 (VCV002641205.24), dbSNP rs151293115, ClinGen allele CA5805712.

ClinVar aggregate classification (germline): Likely benign (1 of 4 stars; one submission).

Allele frequency attached by ClinVar (database versions not stated): 1000 Genomes Project 30x 0.00047; 1000 Genomes Project 0.00060; ExAC 0.00176; TOPMed 0.00198; ESP Exome Variant Server 0.00218; gnomAD 0.00220.
gnomAD v4.1: 5,075 of 1,613,874 alleles (0.31%); highest among the groups gnomAD compares: Non-Finnish European, 0.41%; 13 homozygotes.

Submission:

CeGaT Center for Human Genetics Tuebingen
Classification: Likely benign. Last evaluated: 2022-06-01. Review status: criteria provided, single submitter. Criteria: CeGaT Center For Human Genetics Tuebingen Variant Classification Criteria Version 2. Collection method: clinical testing. Allele origin: germline. Affected: yes. Observed: 2 variant alleles.
Comment: MUC5B: BP4, BP7